The following is an entry in ClinVar:

ClinVar aggregate classification (germline): Uncertain significance. Review status: criteria provided, multiple submitters, no conflicts (2 of 4 stars). 2 submissions from 2 submitters: Uncertain significance (2). Last evaluated 2025-10-28.

Conditions:
Inborn genetic diseases. Identifiers: MedGen C0950123, MeSH D030342.

Allele frequency attached by ClinVar (database versions not stated): gnomAD exomes below 0.00001 and 0.00001; TOPMed 0.00001.
gnomAD v4.1: 12 of 1,613,986 alleles (0.00074%); highest among the groups gnomAD compares: African/African-American, 0.0027%; no homozygotes.

Submissions (2):

Ambry Genetics
Classification: Uncertain significance for Inborn genetic diseases. Last evaluated: 2025-10-28. Review status: criteria provided, single submitter. Criteria: Ambry Variant Classification Scheme 2023. Collection method: clinical testing. Allele origin: germline.

Labcorp Genetics (formerly Invitae), Labcorp
Classification: Uncertain significance. Last evaluated: 2021-10-12. Review status: criteria provided, single submitter. Criteria: Invitae Variant Classification Sherloc (09022015). Collection method: clinical testing. Allele origin: germline.
Comment: This sequence change replaces arginine with glutamine at codon 911 of the KIAA0753 protein (p.Arg911Gln). The arginine residue is highly conserved and there is a small physicochemical difference between arginine and glutamine. This variant is not present in population databases (ExAC no frequency). This variant has not been reported in the literature in individuals affected with KIAA0753-related conditions. Algorithms developed to predict the effect of missense changes on protein structure and function are either unavailable or do not agree on the potential impact of this missense change (SIFT: "Deleterious"; PolyPhen-2: "Probably Damaging"; Align-GVGD: "Class C0"). In summary, the available evidence is currently insufficient to determine the role of this variant in disease. Therefore, it has been classified as a Variant of Uncertain Significance.

NM_014804.3(KIAA0753):c.2732G>A (p.Arg911Gln)

Gene: KIAA0753 (KIAA0753; minus strand). Cytogenetic location: 17p13.1.
Variant type: single nucleotide variant.
Coding change: c.2732G>A on transcript NM_014804.3 (MANE Select); coding-DNA position 2732, G replaced by A.
Protein change: p.Arg911Gln; replaces arginine 911 with glutamine.
Molecular consequence: missense variant. On other transcripts: non-coding transcript variant (3).
Genome position (GRCh38, 1-based): chr17:6,589,833, C>T on the plus strand (G>A on the coding strand, the complement: KIAA0753 is on the minus strand). VCF-style: chr17-6589833-C-T. GRCh37 (hg19) VCF-style: chr17-6493153-C-T.
Other names: c.1835G>A, p.Arg612Gln (NM_001351225.2); c.2732G>A (NM_014804.2); short protein forms R612Q, R911Q.
Identifiers: ClinVar variation 1352181 (VCV001352181.4), dbSNP rs1035797074, ClinGen allele CA287343398.